The following is an entry in ClinVar:

NM_001754.5(RUNX1):c.509-281G>T

Genes: RUNX1 (RUNX family transcription factor 1; minus strand), RUNX1-AS1 (RUNX1 antisense RNA 1; plus strand). Cytogenetic location: 21q22.12.
Variant type: single nucleotide variant.
Coding change: c.509-281G>T on transcript NM_001754.5 (MANE Select); 281 bases into the intron before coding-DNA position 509, G replaced by T.
Molecular consequence: intron variant.
Genome position (GRCh38, 1-based): chr21:34,859,859, C>A on the plus strand (G>T on the coding strand, the complement: RUNX1 is on the minus strand). VCF-style: chr21-34859859-C-A. GRCh37 (hg19) VCF-style: chr21-36232156-C-A.
Other names: c.428-281G>T (NM_001001890.3, NM_001122607.2).
Identifiers: ClinVar variation 1283817 (VCV001283817.2), dbSNP rs2248720, ClinGen allele CA15984361.

ClinVar aggregate classification (germline): Benign. Review status: reviewed by expert panel (3 of 4 stars). 2 submissions from 2 submitters: Benign (1). 1 of the submissions does not count toward it. Last evaluated 2025-01-15.

Conditions:
Hereditary thrombocytopenia and hematologic cancer predisposition syndrome. Identifiers: Orphanet 71290, MedGen CN281654, MONDO:0011071.

Allele frequency attached by ClinVar (database versions not stated): 1000 Genomes Project 0.50200; 1000 Genomes Project 30x 0.51077; TOPMed 0.58549.
gnomAD v4.1: 87,816 of 152,092 alleles (58%); highest among the groups gnomAD compares: African/African-American, 85%; 28,231 homozygotes.

Submissions (2):

ClinGen Myeloid Malignancy Variant Curation Expert Panel
Classification: Benign for Hereditary thrombocytopenia and hematologic cancer predisposition syndrome. Last evaluated: 2025-01-15. Review status: reviewed by expert panel. Criteria: ClinGen MyeloMalig ACMG Specifications v2. Collection method: curation. Allele origin: germline. Inheritance: Autosomal dominant inheritance.
Comment: NM_001754.5(RUNX1):c.509-281G>T is an intronic variant which has a MAF of 0.8530 (85.3%, 35321/41406, 35321 alleles) in the African/African American subpopulation of the gnomAD 3.1.2 cohort which is ≥ 0.0015 (0.15%) (BA1). This variant is detected in a homozygous state in 15115 individuals in a population database (gnomAD 3.1.2) (BP2). This intronic variant has a SpliceAI score ≤ 0.20 (0.0) (BP4). This variant has a SpliceAI score ≤ 0.20 (0.0) and evolutionary conservation prediction algorithms predict the site as not being conserved (PhyloP score ≤ 2.0 (-0.45) (BP7). In summary, this variant meets criteria to be classified as benign. ACMG/AMP criteria applied, as specified by the Myeloid Malignancy Variant Curation Expert Panel for RUNX1: BA1, BP2, BP4, BP7.

GeneDx
Classification: Benign. Last evaluated: 2018-09-14. Review status: criteria provided, single submitter. Criteria: GeneDx Variant Classification Process June 2021. Collection method: clinical testing. Allele origin: germline. Affected: yes. Not counted in ClinVar's aggregate classification.